The following is an entry in ClinVar:

NM_001035.3(RYR2):c.9750G>T (p.Trp3250Cys)

Gene: RYR2 (ryanodine receptor 2; plus strand). Cytogenetic location: 1q43.
Variant type: single nucleotide variant.
Coding change: c.9750G>T on transcript NM_001035.3 (MANE Select); coding-DNA position 9750, G replaced by T.
Protein change: p.Trp3250Cys; replaces tryptophan 3250 with cysteine.
Molecular consequence: missense variant.
Genome position (GRCh38, 1-based): chr1:237,707,118, G>T. VCF-style: chr1-237707118-G-T. GRCh37 (hg19) VCF-style: chr1-237870418-G-T.
Other names: c.9750G>T, p.Trp3250Cys (LRG_402t1); short protein forms W3250C.
Identifiers: ClinVar variation 263612 (VCV000263612.3), dbSNP rs775355706, ClinGen allele CA087951.
Genomic context (GRCh38, chr1:237,707,118, plus strand): 5'-AATGCCACATGTCATGGAAGTCATACTGCCCATGCTTTGCAGCTACATGTCTCGTTGGTG[G>T]GAGCATGGACCTGAGAACAATCCAGAACGGGCCGAGATGTGCTGCACAGCCCTGAACTCA-3'
Protein context (NP_001026.2, residues 3240-3260): PMLCSYMSRW[Trp3250Cys]EHGPENNPER

ClinVar aggregate classification (germline): Uncertain significance (1 of 4 stars; one submission).

Conditions:
Cardiovascular phenotype. Identifiers: MedGen CN230736.

Allele frequency attached by ClinVar (database versions not stated): gnomAD exomes below 0.00001; ExAC 0.00001.
gnomAD v4.1: 1 of 1,613,918 alleles (0.000062%); highest among the groups gnomAD compares: Admixed American, 0.0017%; no homozygotes.

Submission:

Ambry Genetics
Classification: Uncertain significance for Cardiovascular phenotype. Last evaluated: 2013-05-29. Review status: criteria provided, single submitter. Criteria: Ambry Autosomal Dominant and X-Linked criteria (10/2015). Collection method: clinical testing. Allele origin: germline. Observed: 1 variant allele.
Comment: There is insufficient or conflicting evidence for classification of this alteration.